The following is an entry in ClinVar:

NM_001378778.1(MPDZ):c.3895C>A (p.Pro1299Thr)

Gene: MPDZ (multiple PDZ domain crumbs cell polarity complex component; minus strand). Cytogenetic location: 9p23.
Variant type: single nucleotide variant.
Coding change: c.3895C>A on transcript NM_001378778.1 (MANE Select); coding-DNA position 3895, C replaced by A.
Protein change: p.Pro1299Thr; replaces proline 1299 with threonine.
Molecular consequence: missense variant.
Genome position (GRCh38, 1-based): chr9:13,140,095, G>T on the plus strand (C>A on the coding strand, the complement: MPDZ is on the minus strand). VCF-style: chr9-13140095-G-T. GRCh37 (hg19) VCF-style: chr9-13140094-G-T.
Other names: c.3796C>A, p.Pro1266Thr (NM_001261406.2, NM_001261407.2, NM_001375416.1 and 3 more transcripts); c.3895C>A, p.Pro1299Thr (NM_001330637.2, NM_001375413.1, NM_003829.5); c.3685C>A, p.Pro1229Thr (NM_001375420.1, NM_001375421.1, NM_001375422.1 and 4 more transcripts); c.3487C>A, p.Pro1163Thr (NM_001375427.1); c.3895C>A (NM_003829.3); short protein forms P1163T, P1266T, P1229T, P1299T.
Identifiers: ClinVar variation 1450128 (VCV001450128.7), dbSNP rs371070344, ClinGen allele CA4986920.

ClinVar aggregate classification (germline): Uncertain significance. Review status: criteria provided, multiple submitters, no conflicts (2 of 4 stars). 3 submissions from 3 submitters: Uncertain significance (3). Last evaluated 2024-10-15.

Conditions:
Hydrocephalus, nonsyndromic, autosomal recessive 2. Also called: Hydrocephalus, congenital, 2, with or without brain or eye anomalies. Identifiers: Orphanet 2185, MedGen C3554691, MONDO:0014085, OMIM 615219.
Inborn genetic diseases. Identifiers: MedGen C0950123, MeSH D030342.

Allele frequency attached by ClinVar (database versions not stated): ExAC 0.00006; 1000 Genomes Project 0.00020; gnomAD exomes 0.00003; 1000 Genomes Project 30x 0.00016.
gnomAD v4.1: 26 of 1,613,390 alleles (0.0016%); highest among the groups gnomAD compares: East Asian, 0.031%; no homozygotes.

Submissions (3):

Labcorp Genetics (formerly Invitae), Labcorp
Classification: Uncertain significance. Last evaluated: 2024-10-15. Review status: criteria provided, single submitter. Criteria: Invitae Variant Classification Sherloc (09022015). Collection method: clinical testing. Allele origin: germline.
Comment: This sequence change replaces proline, which is neutral and non-polar, with threonine, which is neutral and polar, at codon 1299 of the MPDZ protein (p.Pro1299Thr). This variant is present in population databases (rs371070344, gnomAD 0.05%). This variant has not been reported in the literature in individuals affected with MPDZ-related conditions. ClinVar contains an entry for this variant (Variation ID: 1450128). An algorithm developed to predict the effect of missense changes on protein structure and function (PolyPhen-2) suggests that this variant¬†is likely to be tolerated. In summary, the available evidence is currently insufficient to determine the role of this variant in disease. Therefore, it has been classified as a Variant of Uncertain Significance.

Ambry Genetics
Classification: Uncertain significance for Inborn genetic diseases. Last evaluated: 2023-06-07. Review status: criteria provided, single submitter. Criteria: Ambry Variant Classification Scheme 2023. Collection method: clinical testing. Allele origin: germline.

Department of Pathology and Laboratory Medicine, Sinai Health System
Classification: Uncertain significance for Hydrocephalus, nonsyndromic, autosomal recessive 2. Last evaluated: 2022-12-13. Review status: criteria provided, single submitter. Criteria: ACMG Guidelines, 2015. Collection method: research. Allele origin: germline.